The following is an entry in ClinVar:

NM_001323289.2(CDKL5):c.826-2A>G

Gene: CDKL5 (cyclin dependent kinase like 5; plus strand). Cytogenetic location: Xp22.13.
Variant type: single nucleotide variant.
Coding change: c.826-2A>G on transcript NM_001323289.2 (MANE Select); the canonical splice acceptor site of the intron before coding-DNA position 826, A replaced by G.
Molecular consequence: splice acceptor variant.
Genome position (GRCh38, 1-based): chrX:18,598,460, A>G. VCF-style: chrX-18598460-A-G. GRCh37 (hg19) VCF-style: chrX-18616580-A-G.
Other names: c.826-2A>G (NM_003159.3, NM_001037343.2).
Identifiers: ClinVar variation 408121 (VCV000408121.2), dbSNP rs1060501859, ClinGen allele CA16616641.
Genomic context (GRCh38, chrX:18,598,460, plus strand): 5'-TTTATTAGAACTTAAATTTGACTTTGTAATGTTCTTAACGATCCTAAATTTTATTTCCTA[A>G]GAATTTACTGAAGTTGGACCCAGCTGACAGATACTTGACAGAACAGTGTTTGAATCACCC-3'

ClinVar aggregate classification (germline): Likely pathogenic (1 of 4 stars; one submission).

Conditions:
Developmental and epileptic encephalopathy, 2 (DEE2). Also called: INFANTILE SPASM SYNDROME, X-LINKED 2; CDKL5 deficiency disorder. Identifiers: Orphanet 1934, Orphanet 3451, Orphanet 505652, MedGen C4750718, MONDO:0010396, OMIM 300672.
Angelman syndrome-like. Identifiers: MedGen CN128785.

Submission:

Labcorp Genetics (formerly Invitae), Labcorp
Classification: Likely pathogenic for Developmental and epileptic encephalopathy, 2; Angelman syndrome-like. Last evaluated: 2016-11-08. Review status: criteria provided, single submitter. Criteria: Invitae Variant Classification Sherloc (09022015). Collection method: clinical testing. Allele origin: germline.
Comment: This sequence change affects an acceptor splice site in intron 10 of the CDKL5 gene. It is expected to disrupt RNA splicing and likely results in an absent or disrupted protein product. This variant is not present in population databases (ExAC no frequency) and has not been reported in the literature in individuals with a CDKL5-related disease. In summary, donor and acceptor splice site variants are typically loss-of-function (PMID: 16199547), and loss-of-function variants in CDKL5 are known to be pathogenic (PMID: 22872100). However, without additional functional and/or genetic data, this variant has been classified as Likely Pathogenic.

Literature cited by the submitters: PubMed 16199547; PubMed 22872100.